The following is an entry in ClinVar:

ClinVar aggregate classification (germline): Likely benign (1 of 4 stars; one submission).

Allele frequency attached by ClinVar (database versions not stated): ExAC 0.00001; gnomAD exomes below 0.00001; TOPMed 0.00001 and 0.00002; gnomAD 0.00001; ESP Exome Variant Server 0.00008.
gnomAD v4.1: 1 of 1,613,118 alleles (0.000062%); highest among the groups gnomAD compares: African/African-American, 0.0013%; no homozygotes.

Submission:

GeneDx
Classification: Likely benign. Last evaluated: 2018-01-29. Review status: criteria provided, single submitter. Criteria: GeneDx Variant Classification (06012015). Collection method: clinical testing. Allele origin: germline. Affected: yes.
Comment: This variant is considered likely benign or benign based on one or more of the following criteria: it is a conservative change, it occurs at a poorly conserved position in the protein, it is predicted to be benign by multiple in silico algorithms, and/or has population frequency not consistent with disease.

NM_001267550.2(TTN):c.26257G>A (p.Val8753Ile)

Gene: TTN (titin; minus strand). Cytogenetic location: 2q31.2.
Variant type: single nucleotide variant.
Coding change: c.26257G>A on transcript NM_001267550.2 (MANE Select); coding-DNA position 26257, G replaced by A.
Protein change: p.Val8753Ile; replaces valine 8753 with isoleucine.
Molecular consequence: missense variant. On other transcripts: intron variant (3).
Genome position (GRCh38, 1-based): chr2:178,714,517, C>T on the plus strand (G>A on the coding strand, the complement: TTN is on the minus strand). VCF-style: chr2-178714517-C-T. GRCh37 (hg19) VCF-style: chr2-179579244-C-T.
Other names: c.25306G>A, p.Val8436Ile (NM_001256850.1); c.22525G>A, p.Val7509Ile (NM_133378.4); c.13282+23565G>A (NM_003319.4); c.13858+23565G>A (NM_133437.4); c.13657+23565G>A (NM_133432.3); short protein forms V8436I, V8753I, V7509I.
Identifiers: ClinVar variation 515243 (VCV000515243.1), dbSNP rs373070956, ClinGen allele CA2000042.
Genomic context (GRCh38, chr2:178,714,517, plus strand): 5'-TATCTTTGAACCACACCACTGAAATGGGTTCAGCGCCTTCAATGGTAGTCTGCAGCTGAA[C>T]TTCTTTACCAACGACAGTAGATATGTCACTGAGCTTCTTCACAAATCTTGGTGGTGCTGA-3'
Protein context (NP_001254479.2, residues 8743-8763): SDISTVVGKE[Val8753Ile]QLQTTIEGAE